The following is an entry in ClinVar:

ClinVar aggregate classification (germline): Uncertain significance. Review status: criteria provided, multiple submitters, no conflicts (2 of 4 stars). 2 submissions from 2 submitters: Uncertain significance (2). Last evaluated 2026-01-19.

Conditions:
Retinoblastoma (RB1). Also called: RETINOBLASTOMA, SOMATIC. Identifiers: Orphanet 790, MedGen C0035335, MeSH D012175, MONDO:0008380, OMIM 180200, HP:0009919. Disease mechanism: loss of function. Inheritance: Both sporadic and heritable forms are tested..
Hereditary cancer-predisposing syndrome. Also called: Tumor predisposition; Hereditary neoplastic syndrome; Neoplastic Syndromes, Hereditary; Hereditary Cancer Syndrome. Identifiers: Orphanet 140162, MedGen C0027672, MeSH D009386, MONDO:0015356.

Allele frequency attached by ClinVar (database versions not stated): TOPMed below 0.00001; gnomAD exomes 0.00001.
gnomAD v4.1: 15 of 1,591,402 alleles (0.00094%); highest among the groups gnomAD compares: Non-Finnish European, 0.00086%; no homozygotes.

Submissions (2):

Labcorp Genetics (formerly Invitae), Labcorp
Classification: Uncertain significance for Retinoblastoma. Last evaluated: 2026-01-19. Review status: criteria provided, single submitter. Criteria: Invitae Variant Classification Sherloc (09022015). Collection method: clinical testing. Allele origin: germline.
Comment: This sequence change replaces cysteine, which is neutral and slightly polar, with tyrosine, which is neutral and polar, at codon 169 of the RB1 protein (p.Cys169Tyr). This variant is present in population databases (no rsID available, gnomAD 0.003%). This variant has not been reported in the literature in individuals affected with RB1-related conditions. ClinVar contains an entry for this variant (Variation ID: 862252). Invitae Evidence Modeling of protein sequence and biophysical properties (such as structural, functional, and spatial information, amino acid conservation, physicochemical variation, residue mobility, and thermodynamic stability) indicates that this missense variant is not expected to disrupt RB1 protein function with a negative predictive value of 80%. In summary, the available evidence is currently insufficient to determine the role of this variant in disease. Therefore, it has been classified as a Variant of Uncertain Significance.

Ambry Genetics
Classification: Uncertain significance for Hereditary cancer-predisposing syndrome. Last evaluated: 2024-01-31. Review status: criteria provided, single submitter. Criteria: Ambry Variant Classification Scheme 2023. Collection method: clinical testing. Allele origin: germline.
Comment: The p.C169Y variant (also known as c.506G>A), located in coding exon 5 of the RB1 gene, results from a G to A substitution at nucleotide position 506. The cysteine at codon 169 is replaced by tyrosine, an amino acid with highly dissimilar properties. This variant has been detected in multiple individuals with no reported features of RB1-related hereditary retinoblastoma (Ambry internal data). This amino acid position is highly conserved in available vertebrate species. In addition, this alteration is predicted to be deleterious by in silico analysis. Based on the available evidence, the clinical significance of this alteration remains unclear.

NM_000321.3(RB1):c.506G>A (p.Cys169Tyr)

Gene: RB1 (RB transcriptional corepressor 1; plus strand). Cytogenetic location: 13q14.2.
Variant type: single nucleotide variant.
Coding change: c.506G>A on transcript NM_000321.3 (MANE Select); coding-DNA position 506, G replaced by A.
Protein change: p.Cys169Tyr; replaces cysteine 169 with tyrosine.
Molecular consequence: missense variant.
Genome position (GRCh38, 1-based): chr13:48,347,830, G>A. VCF-style: chr13-48347830-G-A. GRCh37 (hg19) VCF-style: chr13-48921966-G-A.
Other names: short protein forms C169Y.
Identifiers: ClinVar variation 862252 (VCV000862252.12), dbSNP rs1251503080, ClinGen allele CA388156786.